The following is an entry in ClinVar:

ClinVar aggregate classification (germline): Pathogenic (1 of 4 stars; one submission).

Conditions:
Bardet-Biedl syndrome (BBS). Identifiers: Orphanet 110, MedGen C0752166, MONDO:0015229.

Submission:

Labcorp Genetics (formerly Invitae), Labcorp
Classification: Pathogenic for Bardet-Biedl syndrome. Last evaluated: 2023-11-01. Review status: criteria provided, single submitter. Criteria: Invitae Variant Classification Sherloc (09022015). Collection method: clinical testing. Allele origin: germline.
Comment: This sequence change creates a premature translational stop signal (p.Gln139*) in the BBS10 gene. While this is not anticipated to result in nonsense mediated decay, it is expected to disrupt the last 585 amino acid(s) of the BBS10 protein. This variant is not present in population databases (gnomAD no frequency). This variant has not been reported in the literature in individuals affected with BBS10-related conditions. This variant disrupts a region of the BBS10 protein in which other variant(s) (p.Val707*) have been determined to be pathogenic (PMID: 20472660, 22773737, 25982971, 27486776). This suggests that this is a clinically significant region of the protein, and that variants that disrupt it are likely to be disease-causing. For these reasons, this variant has been classified as Pathogenic.

Literature cited by the submitters: PubMed 20472660; PubMed 22773737; PubMed 25982971; PubMed 27486776.

NM_024685.4(BBS10):c.415C>T (p.Gln139Ter)

Gene: BBS10 (Bardet-Biedl syndrome 10; minus strand). Cytogenetic location: 12q21.2.
Variant type: single nucleotide variant.
Coding change: c.415C>T on transcript NM_024685.4 (MANE Select); coding-DNA position 415, C replaced by T.
Protein change: p.Gln139Ter; replaces glutamine 139 with a stop codon.
Molecular consequence: nonsense.
Genome position (GRCh38, 1-based): chr12:76,347,570, G>A on the plus strand (C>T on the coding strand, the complement: BBS10 is on the minus strand). VCF-style: chr12-76347570-G-A. GRCh37 (hg19) VCF-style: chr12-76741350-G-A.
Other names: short protein forms Q139*.
Identifiers: ClinVar variation 2773254 (VCV002773254.3), dbSNP rs2540956950, ClinGen allele CA385815305.